The following is an entry in ClinVar:

NM_177438.3(DICER1):c.5285C>G (p.Ser1762Cys)

Gene: DICER1 (dicer 1, ribonuclease III; minus strand). Cytogenetic location: 14q32.13.
Variant type: single nucleotide variant.
Coding change: c.5285C>G on transcript NM_177438.3 (MANE Select); coding-DNA position 5285, C replaced by G.
Protein change: p.Ser1762Cys; replaces serine 1762 with cysteine.
Molecular consequence: missense variant.
Genome position (GRCh38, 1-based): chr14:95,093,967, G>C on the plus strand (C>G on the coding strand, the complement: DICER1 is on the minus strand). VCF-style: chr14-95093967-G-C. GRCh37 (hg19) VCF-style: chr14-95560304-G-C.
Other names: c.5285C>G, p.Ser1762Cys (NM_001195573.1, NM_001271282.3, NM_001291628.2 and 1 more transcripts); short protein forms S1762C.
Identifiers: ClinVar variation 940470 (VCV000940470.11), dbSNP rs1890074487, ClinGen allele CA390865036.

ClinVar aggregate classification (germline): Uncertain significance (1 of 4 stars; one submission).

Conditions:
DICER1-related tumor predisposition. Also called: DICER1 syndrome; DICER1-related pleuropulmonary blastoma cancer predisposition syndrome. Identifiers: Orphanet 284343, MedGen C3839822, MONDO:0100216.

Submission:

Labcorp Genetics (formerly Invitae), Labcorp
Classification: Uncertain significance for DICER1-related tumor predisposition. Last evaluated: 2025-02-10. Review status: criteria provided, single submitter. Criteria: Invitae Variant Classification Sherloc (09022015). Collection method: clinical testing. Allele origin: germline.
Comment: This sequence change replaces serine, which is neutral and polar, with cysteine, which is neutral and slightly polar, at codon 1762 of the DICER1 protein (p.Ser1762Cys). This variant is not present in population databases (gnomAD no frequency). This variant has not been reported in the literature in individuals affected with DICER1-related conditions. ClinVar contains an entry for this variant (Variation ID: 940470). Invitae Evidence Modeling of protein sequence and biophysical properties (such as structural, functional, and spatial information, amino acid conservation, physicochemical variation, residue mobility, and thermodynamic stability) indicates that this missense variant is not expected to disrupt DICER1 protein function with a negative predictive value of 95%. In summary, the available evidence is currently insufficient to determine the role of this variant in disease. Therefore, it has been classified as a Variant of Uncertain Significance.